The following is an entry in ClinVar:

NM_201384.3(PLEC):c.10950G>T (p.Glu3650Asp)

Gene: PLEC (plectin; minus strand). Cytogenetic location: 8q24.3.
Variant type: single nucleotide variant.
Coding change: c.10950G>T on transcript NM_201384.3 (MANE Select); coding-DNA position 10950, G replaced by T.
Protein change: p.Glu3650Asp; replaces glutamic acid 3650 with aspartic acid.
Molecular consequence: missense variant.
Genome position (GRCh38, 1-based): chr8:143,918,871, C>A on the plus strand (G>T on the coding strand, the complement: PLEC is on the minus strand). VCF-style: chr8-143918871-C-A. GRCh37 (hg19) VCF-style: chr8-144993039-C-A.
Other names: c.11031G>T, p.Glu3677Asp (NM_000445.5); c.10908G>T, p.Glu3636Asp (NM_201378.4); c.10884G>T, p.Glu3628Asp (NM_201379.3); c.11361G>T, p.Glu3787Asp (NM_201380.4); c.10854G>T, p.Glu3618Asp (NM_201381.3); c.10950G>T, p.Glu3650Asp (NM_201382.4); c.10962G>T, p.Glu3654Asp (NM_201383.3); short protein forms E3618D, E3650D, E3628D, E3636D, E3677D, E3654D, E3787D.
Identifiers: ClinVar variation 566339 (VCV000566339.2), dbSNP rs782756562, ClinGen allele CA4924483.

ClinVar aggregate classification (germline): Uncertain significance (1 of 4 stars; one submission).

Conditions:
Epidermolysis bullosa simplex, Ogna type (EBS5A). Also called: Pidermolysis bullosa simplex 5A, Ogna type; EPIDERMOLYSIS BULLOSA SIMPLEX 5A, OGNA TYPE. Identifiers: Orphanet 79401, MedGen C0432317, MONDO:0007555, OMIM 131950.
Autosomal recessive limb-girdle muscular dystrophy type 2Q (LGMDR17). Also called: MUSCULAR DYSTROPHY, LIMB-GIRDLE, AUTOSOMAL RECESSIVE 17. Identifiers: Orphanet 254361, MedGen C3150989, MONDO:0013390, OMIM 613723.
Epidermolysis bullosa simplex 5C, with pyloric atresia (EBS5C). Also called: PLEC-Related Epidermolysis Bullosa with Pyloric Atresia; Epidermolysis bullosa simplex with pyloric atresia; PLEC1-Related Epidermolysis Bullosa with Pyloric Atresia. Identifiers: Orphanet 158684, MedGen C2677349, MONDO:0012807, OMIM 612138.
Epidermolysis bullosa simplex 5B, with muscular dystrophy (EBS5B). Also called: EPIDERMOLYSIS BULLOSA SIMPLEX AND LIMB-GIRDLE MUSCULAR DYSTROPHY; Epidermolysis bullosa simplex with muscular dystrophy. Identifiers: Orphanet 257, MedGen C2931072, MONDO:0009181, OMIM 226670.
Epidermolysis bullosa simplex with nail dystrophy (EBS5D). Identifiers: MedGen C4225309, MONDO:0014661, OMIM 616487.

gnomAD v4.1: 4 of 1,612,896 alleles (0.00025%); highest among the groups gnomAD compares: Non-Finnish European, 0.00025%; no homozygotes.

Submission:

Labcorp Genetics (formerly Invitae), Labcorp
Classification: Uncertain significance for Limb-girdle muscular dystrophy, type 2Q; Epidermolysis bullosa simplex, Ogna type; Epidermolysis bullosa simplex with nail dystrophy; Epidermolysis bullosa simplex with pyloric atresia; Epidermolysa bullosa simplex and limb girdle muscular dystrophy. Last evaluated: 2018-09-04. Review status: criteria provided, single submitter. Criteria: Invitae Variant Classification Sherloc (09022015). Collection method: clinical testing. Allele origin: germline.
Comment: This sequence change replaces glutamic acid with aspartic acid at codon 3677 of the PLEC protein (p.Glu3677Asp). The glutamic acid residue is highly conserved and there is a small physicochemical difference between glutamic acid and aspartic acid. This variant is present in population databases (rs782756562, ExAC 0.002%). This variant has not been reported in the literature in individuals with PLEC-related disease. Algorithms developed to predict the effect of missense changes on protein structure and function (SIFT, PolyPhen-2, Align-GVGD) all suggest that this variant is likely to be tolerated, but these predictions have not been confirmed by published functional studies and their clinical significance is uncertain. In summary, the available evidence is currently insufficient to determine the role of this variant in disease. Therefore, it has been classified as a Variant of Uncertain Significance.